The following is an entry in ClinVar:

ClinVar aggregate classification (germline): Likely pathogenic (1 of 4 stars; one submission).

Allele frequency attached by ClinVar (database versions not stated): TOPMed below 0.00001.
gnomAD v4.1: 1 of 1,613,584 alleles (0.000062%); highest among the groups gnomAD compares: Non-Finnish European, 0.000085%; no homozygotes.

Submission:

Labcorp Genetics (formerly Invitae), Labcorp
Classification: Likely pathogenic. Last evaluated: 2024-01-04. Review status: criteria provided, single submitter. Criteria: Invitae Variant Classification Sherloc (09022015). Collection method: clinical testing. Allele origin: germline.
Comment: This sequence change replaces leucine, which is neutral and non-polar, with arginine, which is basic and polar, at codon 624 of the HPS5 protein (p.Leu624Arg). This variant is not present in population databases (gnomAD no frequency). This missense change has been observed in individual(s) with Hermansky–Pudlak syndrome (PMID: 15296495, 28640947). In at least one individual the data is consistent with being in trans (on the opposite chromosome) from a pathogenic variant. An algorithm developed to predict the effect of missense changes on protein structure and function (PolyPhen-2) suggests that this variant is likely to be disruptive. In summary, the currently available evidence indicates that the variant is pathogenic, but additional data are needed to prove that conclusively. Therefore, this variant has been classified as Likely Pathogenic.

Literature cited by the submitters: PubMed 15296495; PubMed 28640947.

NM_181507.2(HPS5):c.1871T>G (p.Leu624Arg)

Gene: HPS5 (HPS5 biogenesis of lysosomal organelles complex 2 subunit 2; minus strand). Cytogenetic location: 11p15.1.
Variant type: single nucleotide variant.
Coding change: c.1871T>G on transcript NM_181507.2 (MANE Select); coding-DNA position 1871, T replaced by G.
Protein change: p.Leu624Arg; replaces leucine 624 with arginine.
Molecular consequence: missense variant.
Genome position (GRCh38, 1-based): chr11:18,292,011, A>C on the plus strand (T>G on the coding strand, the complement: HPS5 is on the minus strand). VCF-style: chr11-18292011-A-C. GRCh37 (hg19) VCF-style: chr11-18313558-A-C.
Other names: c.1529T>G, p.Leu510Arg (NM_007216.4, NM_181508.2); short protein forms L624R, L510R.
Identifiers: ClinVar variation 2735561 (VCV002735561.3), dbSNP rs281865102, ClinGen allele CA342551.
Genomic context (GRCh38, chr11:18,292,011, plus strand): 5'-AGCCACTCCTGTAAAACCATTCTCAGAGACTCGGATTCAAATAAAACCAGAGGGTCCTGT[A>C]GCTTGGTCCTATACAAGACAGACAAGTATGAAATTCATGTGTCATGTGTTTTTCTTAAAA-3'
Protein context (NP_852608.1, residues 614-634): KVATAEAMTK[Leu624Arg]QDPLVLFESE